The following is an entry in ClinVar:

ClinVar aggregate classification (germline): Uncertain significance. Review status: criteria provided, multiple submitters, no conflicts (2 of 4 stars). 4 submissions from 4 submitters: Uncertain significance (3). 1 of the submissions does not count toward it. Last evaluated 2025-08-31.

Conditions:
Aplastic anemia. Identifiers: Orphanet 182040, Orphanet 88, MedGen C0002874, MONDO:0015909, OMIM 609135, HP:0001915.
Microcephaly, normal intelligence and immunodeficiency (NBS). Also called: Microcephaly with normal intelligence immunodeficiency and lymphoreticular malignancies; Nonsyndromal microcephaly autosomal recessive with normal intelligence; Seemanova syndrome 2; Immunodeficiency, microcephaly with normal intelligence; SEEMANOVA SYNDROME II; Ataxia telangiectasia variant V1. Identifiers: Orphanet 647, MedGen C0398791, MONDO:0009623, OMIM 251260.
Hereditary cancer-predisposing syndrome. Also called: Neoplastic Syndromes, Hereditary; Hereditary neoplastic syndrome; Tumor predisposition; Hereditary Cancer Syndrome. Identifiers: Orphanet 140162, MedGen C0027672, MeSH D009386, MONDO:0015356.

Allele frequency attached by ClinVar (database versions not stated): gnomAD exomes below 0.00001; ExAC 0.00001.
gnomAD v4.1: 3 of 1,613,734 alleles (0.00019%); highest among the groups gnomAD compares: Non-Finnish European, 0.00025%; no homozygotes.

Submissions (4):

Ambry Genetics
Classification: Uncertain significance for Hereditary cancer-predisposing syndrome. Last evaluated: 2025-08-31. Review status: criteria provided, single submitter. Criteria: Ambry Variant Classification Scheme 2023. Collection method: clinical testing. Allele origin: germline.
Comment: The p.V26A variant (also known as c.77T>C), located in coding exon 2 of the NBN gene, results from a T to C substitution at nucleotide position 77. The valine at codon 26 is replaced by alanine, an amino acid with similar properties. This amino acid position is highly conserved in available vertebrate species. In addition, this alteration is predicted to be deleterious by in silico analysis. Since supporting evidence is limited at this time, the clinical significance of this alteration remains unclear.

Labcorp Genetics (formerly Invitae), Labcorp
Classification: Uncertain significance for Microcephaly, normal intelligence and immunodeficiency. Last evaluated: 2025-02-17. Review status: criteria provided, single submitter. Criteria: Invitae Variant Classification Sherloc (09022015). Collection method: clinical testing. Allele origin: germline.
Comment: This sequence change replaces valine, which is neutral and non-polar, with alanine, which is neutral and non-polar, at codon 26 of the NBN protein (p.Val26Ala). This variant is present in population databases (rs781536675, gnomAD 0.0009%). This variant has not been reported in the literature in individuals affected with NBN-related conditions. ClinVar contains an entry for this variant (Variation ID: 662531). An algorithm developed to predict the effect of missense changes on protein structure and function (PolyPhen-2) suggests that this variant is likely to be disruptive. In summary, the available evidence is currently insufficient to determine the role of this variant in disease. Therefore, it has been classified as a Variant of Uncertain Significance.

Baylor Genetics
Classification: Uncertain significance for Aplastic anemia. Last evaluated: 2024-03-13. Review status: criteria provided, single submitter. Criteria: ACMG Guidelines, 2015. Collection method: clinical testing. Allele origin: unknown.

Natera, Inc.
Classification: Uncertain significance for Nijmegen breakage syndrome. Last evaluated: 2020-07-17. Review status: no assertion criteria provided. Collection method: clinical testing. Allele origin: germline. Not counted in ClinVar's aggregate classification.

NM_002485.5(NBN):c.77T>C (p.Val26Ala)

Gene: NBN (nibrin; minus strand). Cytogenetic location: 8q21.3.
Variant type: single nucleotide variant.
Coding change: c.77T>C on transcript NM_002485.5 (MANE Select); coding-DNA position 77, T replaced by C.
Protein change: p.Val26Ala; replaces valine 26 with alanine.
Molecular consequence: missense variant. On other transcripts: 5 prime UTR variant (1).
Genome position (GRCh38, 1-based): chr8:89,982,816, A>G on the plus strand (T>C on the coding strand, the complement: NBN is on the minus strand). VCF-style: chr8-89982816-A-G. GRCh37 (hg19) VCF-style: chr8-90995044-A-G.
Other names: c.-220T>C (NM_001024688.3); short protein forms V26A.
Identifiers: ClinVar variation 662531 (VCV000662531.17), dbSNP rs781536675, ClinGen allele CA4803059.